The following is an entry in ClinVar:

NM_013266.4(CTNNA3):c.284G>A (p.Arg95His)

Gene: CTNNA3 (catenin alpha 3; minus strand). Cytogenetic location: 10q21.3.
Variant type: single nucleotide variant.
Coding change: c.284G>A on transcript NM_013266.4 (MANE Select); coding-DNA position 284, G replaced by A.
Protein change: p.Arg95His; replaces arginine 95 with histidine.
Molecular consequence: missense variant.
Genome position (GRCh38, 1-based): chr10:67,606,865, C>T on the plus strand (G>A on the coding strand, the complement: CTNNA3 is on the minus strand). VCF-style: chr10-67606865-C-T. GRCh37 (hg19) VCF-style: chr10-69366623-C-T.
Other names: c.284G>A, p.Arg95His (NM_001127384.3); c.320G>A, p.Arg107His (NM_001291133.2); c.284G>A (NM_013266.2); short protein forms R107H, R95H.
Identifiers: ClinVar variation 1937638 (VCV001937638.8), dbSNP rs779423519, ClinGen allele CA5520668.

ClinVar aggregate classification (germline): Uncertain significance. Review status: criteria provided, multiple submitters, no conflicts (2 of 4 stars). 3 submissions from 3 submitters: Uncertain significance (3). Last evaluated 2026-05-17.

Conditions:
Arrhythmogenic right ventricular dysplasia 13. Also called: ARRHYTHMOGENIC RIGHT VENTRICULAR CARDIOMYOPATHY 13; Arrhythmogenic right ventricular dysplasia, familial, 13. Identifiers: MedGen C3810138, MONDO:0000908, OMIM 615616.

Allele frequency attached by ClinVar (database versions not stated): gnomAD 0.00001; ExAC 0.00002.
gnomAD v4.1: 23 of 1,612,282 alleles (0.0014%); highest among the groups gnomAD compares: Non-Finnish European, 0.0017%; no homozygotes.

Submissions (3):

Ambry Genetics
Classification: Uncertain significance. Last evaluated: 2026-05-17. Review status: criteria provided, single submitter. Criteria: Ambry Variant Classification Scheme 2023. Collection method: clinical testing. Allele origin: germline.
Comment: The p.R95H variant (also known as c.284G>A), located in coding exon 2 of the CTNNA3 gene, results from a G to A substitution at nucleotide position 284. The arginine at codon 95 is replaced by histidine, an amino acid with highly similar properties. This amino acid position is conserved. In addition, this alteration is predicted to be tolerated by in silico analysis. Based on the available evidence, the clinical significance of this variant remains unclear.

Clinical Genetics Laboratory, Skane University Hospital Lund
Classification: Uncertain significance. Last evaluated: 2022-05-27. Review status: criteria provided, single submitter. Criteria: ACMG Guidelines, 2015. Collection method: clinical testing. Allele origin: germline. Affected: yes.

Labcorp Genetics (formerly Invitae), Labcorp
Classification: Uncertain significance for Arrhythmogenic right ventricular dysplasia 13. Last evaluated: 2022-04-24. Review status: criteria provided, single submitter. Criteria: Invitae Variant Classification Sherloc (09022015). Collection method: clinical testing. Allele origin: germline.
Comment: In summary, the available evidence is currently insufficient to determine the role of this variant in disease. Therefore, it has been classified as a Variant of Uncertain Significance. Algorithms developed to predict the effect of missense changes on protein structure and function are either unavailable or do not agree on the potential impact of this missense change (SIFT: "Deleterious"; PolyPhen-2: "Possibly Damaging"; Align-GVGD: "Class C0"). This variant has not been reported in the literature in individuals affected with CTNNA3-related conditions. This variant is present in population databases (rs779423519, gnomAD 0.004%). This sequence change replaces arginine, which is basic and polar, with histidine, which is basic and polar, at codon 95 of the CTNNA3 protein (p.Arg95His).